The following is an entry in ClinVar:

ClinVar aggregate classification (germline): Uncertain significance. Review status: criteria provided, single submitter (1 of 4 stars). 2 submissions from 2 submitters: Uncertain significance (1). 1 of the submissions does not count toward it. Last evaluated 2025-06-23.

Conditions:
TNXB-related disorder. Also called: TNXB-related condition.
Cardiovascular phenotype. Identifiers: MedGen CN230736.

gnomAD v4.1: 13 of 1,602,030 alleles (0.00081%); highest among the groups gnomAD compares: African/African-American, 0.013%; no homozygotes.

Submissions (2):

Ambry Genetics
Classification: Uncertain significance for Cardiovascular phenotype. Last evaluated: 2025-06-23. Review status: criteria provided, single submitter. Criteria: Ambry Variant Classification Scheme 2023. Collection method: clinical testing. Allele origin: germline.

PreventionGenetics, part of Exact Sciences
Classification: Uncertain significance for TNXB-related condition. Last evaluated: 2024-04-03. Review status: no assertion criteria provided. Collection method: clinical testing. Allele origin: germline. Not counted in ClinVar's aggregate classification.
Comment: The TNXB c.91A>G variant is predicted to result in the amino acid substitution p.Asn31Asp. To our knowledge, this variant has not been reported in the literature. This variant is reported in 0.027% of alleles in individuals of African descent in gnomAD. At this time, the clinical significance of this variant is uncertain due to the absence of conclusive functional and genetic evidence.

NM_001365276.2(TNXB):c.91A>G (p.Asn31Asp)

Gene: TNXB (tenascin XB; minus strand). Cytogenetic location: 6p21.33.
Variant type: single nucleotide variant.
Coding change: c.91A>G on transcript NM_001365276.2 (MANE Select); coding-DNA position 91, A replaced by G.
Protein change: p.Asn31Asp; replaces asparagine 31 with aspartic acid.
Molecular consequence: missense variant.
Genome position (GRCh38, 1-based): chr6:32,098,108, T>C on the plus strand (A>G on the coding strand, the complement: TNXB is on the minus strand). VCF-style: chr6-32098108-T-C. GRCh37 (hg19) VCF-style: chr6-32065885-T-C.
Other names: c.91A>G, p.Asn31Asp (NM_001428335.1, NM_019105.8); short protein forms N31D.
Identifiers: ClinVar variation 3352180 (VCV003352180.2).